The following is an entry in ClinVar:

ClinVar aggregate classification (germline): Uncertain significance (1 of 4 stars; one submission).

Allele frequency attached by ClinVar (database versions not stated): gnomAD exomes 0.00001; TOPMed 0.00002; gnomAD 0.00001; ESP Exome Variant Server 0.00008.
gnomAD v4.1: 8 of 1,592,572 alleles (0.0005%); highest among the groups gnomAD compares: Non-Finnish European, 0.00068%; no homozygotes.

Submission:

Women's Health and Genetics/Laboratory Corporation of America, LabCorp
Classification: Uncertain significance. Last evaluated: 2022-05-26. Review status: criteria provided, single submitter. Criteria: LabCorp Variant Classification Summary - May 2015. Collection method: clinical testing. Allele origin: germline.
Comment: Variant summary: DPYD c.36C>G (p.Ile12Met) results in a conservative amino acid change in the encoded protein sequence. Three of five in-silico tools predict a damaging effect of the variant on protein function. The variant allele was found at a frequency of 9.3e-06 in 214688 control chromosomes. The available data on variant occurrences in the general population are insufficient to allow any conclusion about variant significance. To our knowledge, no occurrence of c.36C>G in individuals affected with Dihydropyrimidine Dehydrogenase Deficiency has been reported. At least one publication reports experimental evidence evaluating an impact on protein function. These results showed no damaging effect of this variant (Shreshta_2018). No clinical diagnostic laboratories have submitted clinical-significance assessments for this variant to ClinVar after 2014. Based on the evidence outlined above, the variant was classified as uncertain significance.

Literature cited by the submitters: PubMed 29327356.

NM_000110.4(DPYD):c.36C>G (p.Ile12Met)

Genes: DPYD (dihydropyrimidine dehydrogenase; minus strand), LOC129930998 (ATAC-STARR-seq lymphoblastoid silent region 1109; plus strand). Cytogenetic location: 1p21.3.
Variant type: single nucleotide variant.
Coding change: c.36C>G on transcript NM_000110.4 (MANE Select); coding-DNA position 36, C replaced by G.
Protein change: p.Ile12Met; replaces isoleucine 12 with methionine.
Molecular consequence: missense variant.
Genome position (GRCh38, 1-based): chr1:97,920,887, G>C on the plus strand (C>G on the coding strand, the complement: DPYD is on the minus strand). VCF-style: chr1-97920887-G-C. GRCh37 (hg19) VCF-style: chr1-98386443-G-C.
Other names: c.36C>G, p.Ile12Met (NM_001160301.1); short protein forms I12M.
Identifiers: ClinVar variation 1698665 (VCV001698665.1), dbSNP rs376273539, ClinGen allele CA963852.
Genomic context (GRCh38, chr1:97,920,887, plus strand): 5'-CCGCAGAGCACTCCCCACCACCCCGCCACCACCGACGAGCCGGCGCGAAGTCCGTACCTC[G>C]ATGTCCGCCGAGTCCTTACTGAGCACAGGGGCCATGGCAGTGCCTACAGTCTCGAGTCTG-3'
Protein context (NP_000101.2, residues 2-22): APVLSKDSAD[Ile12Met]ESILALNPRT